The following is an entry in ClinVar:

NM_012310.5(KIF4A):c.1186G>A (p.Val396Ile)

Gene: KIF4A (kinesin family member 4A; plus strand). Cytogenetic location: Xq13.1.
Variant type: single nucleotide variant.
Coding change: c.1186G>A on transcript NM_012310.5 (MANE Select); coding-DNA position 1186, G replaced by A.
Protein change: p.Val396Ile; replaces valine 396 with isoleucine.
Molecular consequence: missense variant.
Genome position (GRCh38, 1-based): chrX:70,341,851, G>A. VCF-style: chrX-70341851-G-A. GRCh37 (hg19) VCF-style: chrX-69561701-G-A.
Other names: short protein forms V396I.
Identifiers: ClinVar variation 3777680 (VCV003777680.1).

ClinVar aggregate classification (germline): Uncertain significance (1 of 4 stars; one submission).

Submission:

GeneDx
Classification: Uncertain significance. Last evaluated: 2024-10-11. Review status: criteria provided, single submitter. Criteria: GeneDx Variant Classification Process June 2021. Collection method: clinical testing. Allele origin: germline. Affected: yes.
Comment: Not observed at significant frequency in large population cohorts (gnomAD); In silico analysis indicates that this missense variant does not alter protein structure/function; Has not been previously published as pathogenic or benign to our knowledge